The following is an entry in ClinVar:

NC_000023.10:g.(?_32382679)_(32490446_?)dup

Gene: DMD (dystrophin; minus strand). Cytogenetic location: Xp21.1.
Variant type: Duplication.
Identifiers: ClinVar variation 1511244 (VCV001511244.5).

ClinVar aggregate classification (germline): Likely pathogenic (1 of 4 stars; one submission).

Conditions:
Duchenne muscular dystrophy (DMD). Also called: Duchenne Muscular Dystrophy (DMD); MUSCULAR DYSTROPHY, PSEUDOHYPERTROPHIC PROGRESSIVE, DUCHENNE TYPE. Identifiers: Orphanet 98896, MedGen C0013264, MONDO:0010679, OMIM 310200.

Submission:

Labcorp Genetics (formerly Invitae), Labcorp
Classification: Likely pathogenic for Duchenne muscular dystrophy. Last evaluated: 2021-10-11. Review status: criteria provided, single submitter. Criteria: Invitae Variant Classification Sherloc (09022015). Collection method: clinical testing. Allele origin: germline.
Comment: In summary, the currently available evidence indicates that the variant is pathogenic, but additional data are needed to prove that conclusively. Therefore, this variant has been classified as Likely Pathogenic. This variant has not been reported in the literature in individuals affected with DMD-related conditions. This variant results in a copy number gain of the genomic region encompassing exon(s) 22-36 of the DMD gene. While the exact position of this variant cannot be determined from the data, sub-genic copy number gains are generally in tandem (PMID: 25640679). This variant is predicted to be out-of-frame, and may result in an absent or disrupted protein product. Loss-of-function variants in DMD are known to be pathogenic (PMID: 16770791, 25007885).

Literature cited by the submitters: PubMed 25640679; PubMed 16770791; PubMed 25007885.